The following is an entry in ClinVar:

ClinVar aggregate classification (germline): Benign (1 of 4 stars; one submission).

Allele frequency attached by ClinVar (database versions not stated): TOPMed 0.39150; gnomAD 0.40071 and 0.41107; 1000 Genomes Project 30x 0.43660; 1000 Genomes Project 0.44429; gnomAD exomes 0.48745.
gnomAD v4.1: 174,224 of 381,414 alleles (46%); highest among the groups gnomAD compares: South Asian, 59%; 41,850 homozygotes.

Submission:

GeneDx
Classification: Benign. Last evaluated: 2018-06-19. Review status: criteria provided, single submitter. Criteria: GeneDx Variant Classification (06012015). Collection method: clinical testing. Allele origin: germline. Affected: yes.
Comment: This variant is considered likely benign or benign based on one or more of the following criteria: it is a conservative change, it occurs at a poorly conserved position in the protein, it is predicted to be benign by multiple in silico algorithms, and/or has population frequency not consistent with disease.

NM_000368.5(TSC1):c.210+290T>C

Gene: TSC1 (TSC complex subunit 1; minus strand). Cytogenetic location: 9q34.13.
Variant type: single nucleotide variant.
Coding change: c.210+290T>C on transcript NM_000368.5 (MANE Select); 290 bases into the intron after coding-DNA position 210, T replaced by C.
Molecular consequence: intron variant.
Genome position (GRCh38, 1-based): chr9:132,926,911, A>G on the plus strand (T>C on the coding strand, the complement: TSC1 is on the minus strand). VCF-style: chr9-132926911-A-G. GRCh37 (hg19) VCF-style: chr9-135802298-A-G.
Other names: c.-153-1172T>C (NM_001362177.2); c.210+290T>C (NM_001162427.2, NM_001162426.2).
Identifiers: ClinVar variation 668726 (VCV000668726.1), dbSNP rs10901223, ClinGen allele CA13002435.